The following is an entry in ClinVar:

ClinVar aggregate classification (germline): Pathogenic (1 of 4 stars; one submission).

Conditions:
DYRK1A-related intellectual disability syndrome (MRD7). Also called: Intellectual developmental disorder, autosomal dominant 7; DYRK1A Syndrome. Identifiers: Orphanet 464306, MedGen C5568143, MONDO:0013578, OMIM 614104.

Submission:

Centre for Mendelian Genomics, University Medical Centre Ljubljana
Classification: Pathogenic for DYRK1A-related intellectual disability syndrome. Last evaluated: 2016-01-01. Review status: criteria provided, single submitter. Criteria: ACMG Guidelines, 2015. Collection method: clinical testing. Allele origin: unknown. Affected: yes.
Comment: This variant was classified as: Pathogenic. The following ACMG criteria were applied in classifying this variant: PVS1,PM2,PM6,PP3.

NM_001347721.2(DYRK1A):c.1289del (p.Ala430fs)

Gene: DYRK1A (dual specificity tyrosine phosphorylation regulated kinase 1A; plus strand). Cytogenetic location: 21q22.13.
Variant type: Deletion.
Coding change: c.1289del on transcript NM_001347721.2 (MANE Select); coding-DNA position 1289, one base deleted (C; older notation c.1289delC).
Protein change: p.Ala430fs; shifts the reading frame from alanine 430.
Molecular consequence: frameshift variant.
Genome position (GRCh38, 1-based): chr21:37,505,359, C deleted. VCF-style (leftmost placement, unchanged base first): chr21-37505358-GC-G. GRCh37 (hg19) VCF-style: chr21-38877661-GC-G.
Other names: c.1289del, p.Ala430fs (NM_001347722.2, NM_130436.2); c.1202del, p.Ala401fs (NM_001347723.2); c.1316del, p.Ala439fs (NM_001396.5, NM_101395.2, NM_130438.2); short protein forms A439fs, A401fs, A430fs.
Identifiers: ClinVar variation 931464 (VCV000931464.3), dbSNP rs2053564046, ClinGen allele CA1139666861.